The following is an entry in ClinVar:

NM_004519.4(KCNQ3):c.569G>A (p.Arg190Gln)

Gene: KCNQ3 (potassium voltage-gated channel subfamily Q member 3; minus strand). Cytogenetic location: 8q24.22.
Variant type: single nucleotide variant.
Coding change: c.569G>A on transcript NM_004519.4 (MANE Select); coding-DNA position 569, G replaced by A.
Protein change: p.Arg190Gln; replaces arginine 190 with glutamine.
Molecular consequence: missense variant.
Genome position (GRCh38, 1-based): chr8:132,184,276, C>T on the plus strand (G>A on the coding strand, the complement: KCNQ3 is on the minus strand). VCF-style: chr8-132184276-C-T. GRCh37 (hg19) VCF-style: chr8-133196523-C-T.
Other names: p.R190Q:CGA>CAA; c.209G>A, p.Arg70Gln (NM_001204824.2); short protein forms R190Q, R70Q.
Identifiers: ClinVar variation 205960 (VCV000205960.14), dbSNP rs796052674, ClinGen allele CA315587.
Genomic context (GRCh38, chr8:132,184,276, plus strand): 5'-TGGGAGGCTCAGGGTCAGGACTTACCCAACATGCACAGGGGCTTCCTGGCAAACTTCAGT[C>T]GGCCCCGCCAGCCTTTGTATCGGCAGCAACATCCAGCAGCCCAGATCCTCAAAGCAAACT-3'
Protein context (NP_004510.1, residues 180-200): CCCRYKGWRG[Arg190Gln]LKFARKPLCM

ClinVar aggregate classification (germline): Conflicting classifications of pathogenicity. Review status: criteria provided, conflicting classifications (1 of 4 stars). 4 submissions from 4 submitters: Likely pathogenic (1); Uncertain significance (2). 1 of the submissions does not count toward it. Last evaluated 2025-09-14.

Conditions:
Inborn genetic diseases. Identifiers: MedGen C0950123, MeSH D030342.
KCNQ3-related disorder. Also called: KCNQ3-related condition; KCNQ3-Related Disorders. Identifiers: MedGen CN381530.
Benign neonatal seizures. Also called: Benign familial neonatal seizures; Convulsions benign familial neonatal dominant form; Autosomal dominant form of benign neonatal seizures; Benign neonatal familial convulsions; Benign familial neonatal epilepsy. Identifiers: Orphanet 1949, MedGen C0220669, MONDO:0016027.

Submissions (4):

GeneDx
Classification: Likely pathogenic. Last evaluated: 2025-09-14. Review status: criteria provided, single submitter. Criteria: GeneDx Variant Classification Process June 2021. Collection method: clinical testing. Allele origin: germline. Affected: yes.
Comment: Identified in two individuals with a neurodevelopmental disorder, but segregation and detailed clinical information was not provided (PMID: 33004838); Published functional studies demonstrate the variant impairs enzyme function (PMID: 30348901); In silico analysis supports that this missense variant has a deleterious effect on protein structure/function; Not observed at significant frequency in large population cohorts (gnomAD); This variant is associated with the following publications: (PMID: 33004838, 30348901)

Labcorp Genetics (formerly Invitae), Labcorp
Classification: Uncertain significance for Benign neonatal seizures. Last evaluated: 2024-07-30. Review status: criteria provided, single submitter. Criteria: Invitae Variant Classification Sherloc (09022015). Collection method: clinical testing. Allele origin: germline.
Comment: This sequence change replaces arginine, which is basic and polar, with glutamine, which is neutral and polar, at codon 190 of the KCNQ3 protein (p.Arg190Gln). This variant is not present in population databases (gnomAD no frequency). This missense change has been observed in individual(s) with clinical features of KCNQ3-related conditions (PMID: 33004838; Invitae). ClinVar contains an entry for this variant (Variation ID: 205960). Advanced modeling of protein sequence and biophysical properties (such as structural, functional, and spatial information, amino acid conservation, physicochemical variation, residue mobility, and thermodynamic stability) performed at Invitae indicates that this missense variant is expected to disrupt KCNQ3 protein function with a positive predictive value of 80%. In summary, the available evidence is currently insufficient to determine the role of this variant in disease. Therefore, it has been classified as a Variant of Uncertain Significance.

Ambry Genetics
Classification: Uncertain significance for Inborn genetic diseases. Last evaluated: 2021-01-27. Review status: criteria provided, single submitter. Criteria: Ambry Variant Classification Scheme 2023. Collection method: clinical testing. Allele origin: germline.
Comment: The c.569G>A (p.R190Q) alteration is located in exon 3 (coding exon 3) of the KCNQ3 gene. This alteration results from a G to A substitution at nucleotide position 569, causing the arginine (R) at amino acid position 190 to be replaced by a glutamine (Q). The p.R190Q alteration is predicted to be deleterious by in silico analysis. Based on insufficient or conflicting evidence, the clinical significance of this alteration remains unclear.

PreventionGenetics, part of Exact Sciences
Classification: Uncertain significance for KCNQ3-related condition. Last evaluated: 2023-12-11. Review status: no assertion criteria provided. Collection method: clinical testing. Allele origin: germline. Not counted in ClinVar's aggregate classification.
Comment: The KCNQ3 c.569G>A variant is predicted to result in the amino acid substitution p.Arg190Gln. This variant has been reported as arising de novo in an individual with a neurodevelopmental disorder (Table S5, Wang et al. 2020. PubMed ID: 33004838). This variant has not been reported in a large population database, indicating this variant is rare. Although we suspect this variant may be pathogenic, at this time, the clinical significance of this variant is uncertain due to the absence of conclusive functional and genetic evidence.

Literature cited by the submitters: PubMed 33004838 (cited by Labcorp Genetics (formerly Invitae), Labcorp and Ambry Genetics); PubMed 30348901 (cited by Ambry Genetics).